The following is an entry in ClinVar:

ClinVar aggregate classification (germline): Likely benign. Review status: criteria provided, single submitter (1 of 4 stars). 2 submissions from 2 submitters: Likely benign (1). 1 of the submissions does not count toward it. Last evaluated 2024-01-11.

Conditions:
AHI1-related disorder. Also called: AHI1-related condition.
Joubert syndrome. Also called: Familial aplasia of the vermis; CEREBELLOPARENCHYMAL DISORDER IV; JOUBERT-BOLTSHAUSER SYNDROME. Identifiers: Orphanet 475, MedGen C5979921, MONDO:0018772.

Allele frequency attached by ClinVar (database versions not stated): gnomAD 0.00001.
gnomAD v4.1: 4 of 1,613,736 alleles (0.00025%); highest among the groups gnomAD compares: African/African-American, 0.0013%; no homozygotes.

Submissions (2):

Labcorp Genetics (formerly Invitae), Labcorp
Classification: Likely benign for Joubert syndrome. Last evaluated: 2024-01-11. Review status: criteria provided, single submitter. Criteria: Invitae Variant Classification Sherloc (09022015). Collection method: clinical testing. Allele origin: germline.

PreventionGenetics, part of Exact Sciences
Classification: Likely benign for AHI1-related condition. Last evaluated: 2020-10-14. Review status: no assertion criteria provided. Collection method: clinical testing. Allele origin: germline. Not counted in ClinVar's aggregate classification.
Comment: This variant is classified as likely benign based on ACMG/AMP sequence variant interpretation guidelines (Richards et al. 2015 PMID: 25741868, with internal and published modifications).

NM_001134831.2(AHI1):c.420C>T (p.Asp140=)

Gene: AHI1 (Abelson helper integration site 1; minus strand). Cytogenetic location: 6q23.3.
Variant type: single nucleotide variant.
Coding change: c.420C>T on transcript NM_001134831.2 (MANE Select); coding-DNA position 420, C replaced by T.
Protein change: p.Asp140=; no amino-acid change (aspartic acid 140 retained).
Molecular consequence: synonymous variant.
Genome position (GRCh38, 1-based): chr6:135,466,143, G>A on the plus strand (C>T on the coding strand, the complement: AHI1 is on the minus strand). VCF-style: chr6-135466143-G-A. GRCh37 (hg19) VCF-style: chr6-135787281-G-A.
Other names: c.420C>T, p.Asp140= (NM_001134830.2, NM_001134832.2, NM_001350503.2 and 2 more transcripts); c.420C>T (NM_017651.4).
Identifiers: ClinVar variation 1088456 (VCV001088456.11), dbSNP rs1790716581, ClinGen allele CA452430423.